The following is an entry in ClinVar:

NM_032043.3(BRIP1):c.3440A>T (p.Asn1147Ile)

Gene: BRIP1 (BRCA1 interacting DNA helicase 1; minus strand). Cytogenetic location: 17q23.2.
Variant type: single nucleotide variant.
Coding change: c.3440A>T on transcript NM_032043.3 (MANE Select); coding-DNA position 3440, A replaced by T.
Protein change: p.Asn1147Ile; replaces asparagine 1147 with isoleucine.
Molecular consequence: missense variant.
Genome position (GRCh38, 1-based): chr17:61,683,606, T>A on the plus strand (A>T on the coding strand, the complement: BRIP1 is on the minus strand). VCF-style: chr17-61683606-T-A. GRCh37 (hg19) VCF-style: chr17-59760967-T-A.
Other names: short protein forms N1147I.
Identifiers: ClinVar variation 4867918 (VCV004867918.1).
Genomic context (GRCh38, chr17:61,683,606, plus strand): 5'-GCTAAAATGCAATCTGAATTGTTAGCCAATCTATTTCCTCTATCAGTTTCAGCTAGGTCA[T>A]TTTTTTCTTCATCTGTATCTTCAGGATCATAAAGTTCAGGTGTAAAATAGATAGATTCAT-3'
Protein context (NP_114432.2, residues 1137-1157): YDPEDTDEEK[Asn1147Ile]DLAETDRGNR

ClinVar aggregate classification (germline): Uncertain significance (1 of 4 stars; one submission).

Conditions:
Hereditary cancer-predisposing syndrome. Also called: Neoplastic Syndromes, Hereditary; Tumor predisposition; Hereditary Cancer Syndrome; Hereditary neoplastic syndrome. Identifiers: Orphanet 140162, MedGen C0027672, MeSH D009386, MONDO:0015356.

Submission:

Ambry Genetics
Classification: Uncertain significance for Hereditary cancer-predisposing syndrome. Last evaluated: 2026-04-20. Review status: criteria provided, single submitter. Criteria: Ambry Variant Classification Scheme 2023. Collection method: clinical testing. Allele origin: germline.
Comment: The p.N1147I variant (also known as c.3440A>T), located in coding exon 19 of the BRIP1 gene, results from an A to T substitution at nucleotide position 3440. The asparagine at codon 1147 is replaced by isoleucine, an amino acid with dissimilar properties. This amino acid position is conserved. In addition, this alteration is predicted to be tolerated by in silico analysis. Based on the available evidence, the clinical significance of this variant remains unclear.